The following is an entry in ClinVar:

NM_000540.3(RYR1):c.7623C>T (p.Phe2541=)

Gene: RYR1 (ryanodine receptor 1; plus strand). Cytogenetic location: 19q13.2.
Variant type: single nucleotide variant.
Coding change: c.7623C>T on transcript NM_000540.3 (MANE Select); coding-DNA position 7623, C replaced by T.
Protein change: p.Phe2541=; no amino-acid change (phenylalanine 2541 retained).
Molecular consequence: synonymous variant.
Genome position (GRCh38, 1-based): chr19:38,502,515, C>T. VCF-style: chr19-38502515-C-T. GRCh37 (hg19) VCF-style: chr19-38993155-C-T.
Other names: c.7623C>T, p.Phe2541= (NM_001042723.2).
Identifiers: ClinVar variation 2416643 (VCV002416643.10), dbSNP rs2514332557, ClinGen allele CA507243695.

ClinVar aggregate classification (germline): Likely benign. Review status: criteria provided, multiple submitters, no conflicts (2 of 4 stars). 3 submissions from 3 submitters: Likely benign (2). 1 of the submissions does not count toward it. Last evaluated 2024-05-14.

Conditions:
RYR1-related disorder. Also called: RYR1-related disorders; RYR1-related condition. Identifiers: MedGen CN239331.

Submissions (3):

Labcorp Genetics (formerly Invitae), Labcorp
Classification: Likely benign for RYR1-related disorder. Last evaluated: 2024-05-14. Review status: criteria provided, single submitter. Criteria: Invitae Variant Classification Sherloc (09022015). Collection method: clinical testing. Allele origin: germline.

Blueprint Genetics
Classification: Likely benign. Last evaluated: 2023-12-29. Review status: criteria provided, single submitter. Criteria: ACMG Guidelines, 2015. Collection method: clinical testing. Allele origin: germline.

PreventionGenetics, part of Exact Sciences
Classification: Likely benign for RYR1-related condition. Last evaluated: 2019-08-15. Review status: no assertion criteria provided. Collection method: clinical testing. Allele origin: germline. Not counted in ClinVar's aggregate classification.
Comment: This variant is classified as likely benign based on ACMG/AMP sequence variant interpretation guidelines (Richards et al. 2015 PMID: 25741868, with internal and published modifications).